The following is an entry in ClinVar:

NM_001145358.2(SIN3A):c.1261dup (p.Ser421fs)

Gene: SIN3A (SIN3 transcription regulator family member A; minus strand). Cytogenetic location: 15q24.2.
Variant type: Duplication.
Coding change: c.1261dup on transcript NM_001145358.2 (MANE Select); coding-DNA position 1261, one base duplicated (A; older notation c.1261dupA).
Protein change: p.Ser421fs; shifts the reading frame from serine 421.
Molecular consequence: frameshift variant.
Genome position (GRCh38, 1-based): chr15:75,409,892, T duplicated on the plus strand (A on the coding strand, the reverse complement: SIN3A is on the minus strand). VCF-style (leftmost placement, unchanged base first): chr15-75409891-C-CT. GRCh37 (hg19) VCF-style: chr15-75702232-C-CT.
Other names: c.1261dup, p.Ser421fs (NM_001145357.2, NM_015477.3); short protein forms S421fs.
Identifiers: ClinVar variation 1683675 (VCV001683675.2), dbSNP rs2141486160, ClinGen allele CA2573151168.

ClinVar aggregate classification (germline): Likely pathogenic (1 of 4 stars; one submission).

Conditions:
SIN3A-related intellectual disability syndrome due to a point mutation. Also called: 15q24 Microdeletion Syndrome; WITTEVEEN-KOLK SYNDROME. Identifiers: Orphanet 500166, Orphanet 94065, MedGen C4310804, MONDO:0044700, OMIM 613406.

Submission:

Laboratorio de Genetica e Diagnostico Molecular, Hospital Israelita Albert Einstein
Classification: Likely pathogenic for SIN3A-related intellectual disability syndrome due to a point mutation. Last evaluated: 2021-03-02. Review status: criteria provided, single submitter. Criteria: ACMG Guidelines, 2015. Collection method: clinical testing. Allele origin: germline. Affected: yes.
Comment: ACMG classification criteria: PVS1 very strong, PM2